The following is an entry in ClinVar:

NM_152490.5(B3GALNT2):c.1478_1479del (p.Asp493fs)

Genes: B3GALNT2 (beta-1,3-N-acetylgalactosaminyltransferase 2; minus strand), TBCE (tubulin folding cofactor E; plus strand). Cytogenetic location: 1q42.3.
Variant type: Deletion.
Coding change: c.1478_1479del on transcript NM_152490.5 (MANE Select); coding-DNA positions 1478 to 1479, 2 bases deleted (AT; older notation c.1478_1479delAT).
Protein change: p.Asp493fs; shifts the reading frame from aspartic acid 493.
Molecular consequence: frameshift variant. On other transcripts: 3 prime UTR variant (4).
Genome position (GRCh38, 1-based): chr1:235,450,230-235,450,231, AT deleted on the plus strand (AT on the coding strand, the reverse complement: B3GALNT2 is on the minus strand). VCF-style (leftmost placement, unchanged base first): chr1-235450229-GAT-G. GRCh37 (hg19) VCF-style: chr1-235613544-GAT-G.
Other names: c.*1468_*1469del (NM_001079515.3, NM_001287801.2, NM_001287802.2 and 1 more transcripts); short protein forms D493fs.
Identifiers: ClinVar variation 1419193 (VCV001419193.3), dbSNP rs759968980, ClinGen allele CA1464573.

ClinVar aggregate classification (germline): Uncertain significance (1 of 4 stars; one submission).

Conditions:
Muscular dystrophy-dystroglycanopathy (congenital with brain and eye anomalies), type a, 11 (MDDGA11). Also called: WALKER-WARBURG SYNDROME OR MUSCLE-EYE-BRAIN DISEASE, B3GALNT2-RELATED; Congenital muscular dystrophy-dystroglycanopathy with brain and eye anomalies, type A11; Muscular dystrophy-dystroglycanopathy (congenital with brain and eye anomalies, type A, 11. Identifiers: Orphanet 588, Orphanet 899, MedGen C3554638, MONDO:0014071, OMIM 615181.

Allele frequency attached by ClinVar (database versions not stated): TOPMed below 0.00001; ExAC 0.00001; gnomAD 0.00001; gnomAD exomes 0.00001.

Submission:

Labcorp Genetics (formerly Invitae), Labcorp
Classification: Uncertain significance for Muscular dystrophy-dystroglycanopathy (congenital with brain and eye anomalies), type a, 11. Last evaluated: 2022-05-15. Review status: criteria provided, single submitter. Criteria: Invitae Variant Classification Sherloc (09022015). Collection method: clinical testing. Allele origin: germline.
Comment: This sequence change results in a frameshift in the B3GALNT2 gene (p.Asp493Alafs*12). While this is not anticipated to result in nonsense mediated decay, it is expected to disrupt the last 8 amino acid(s) of the B3GALNT2 protein and extend the protein by 3 additional amino acid residues. This variant is present in population databases (rs759968980, gnomAD 0.002%). This variant has not been reported in the literature in individuals affected with B3GALNT2-related conditions. In summary, the available evidence is currently insufficient to determine the role of this variant in disease. Therefore, it has been classified as a Variant of Uncertain Significance.